The following is an entry in ClinVar:

ClinVar aggregate classification (germline): Uncertain significance (1 of 4 stars; one submission).

Conditions:
Epidermolysis bullosa simplex with nail dystrophy (EBS5D). Identifiers: MedGen C4225309, MONDO:0014661, OMIM 616487.
Epidermolysis bullosa simplex 5B, with muscular dystrophy (EBS5B). Also called: Epidermolysis bullosa simplex with muscular dystrophy; EPIDERMOLYSIS BULLOSA SIMPLEX AND LIMB-GIRDLE MUSCULAR DYSTROPHY. Identifiers: Orphanet 257, MedGen C2931072, MONDO:0009181, OMIM 226670.
Epidermolysis bullosa simplex, Ogna type (EBS5A). Also called: EPIDERMOLYSIS BULLOSA SIMPLEX 5A, OGNA TYPE; Pidermolysis bullosa simplex 5A, Ogna type. Identifiers: Orphanet 79401, MedGen C0432317, MONDO:0007555, OMIM 131950.
Epidermolysis bullosa simplex 5C, with pyloric atresia (EBS5C). Also called: PLEC-Related Epidermolysis Bullosa with Pyloric Atresia; Epidermolysis bullosa simplex with pyloric atresia; PLEC1-Related Epidermolysis Bullosa with Pyloric Atresia. Identifiers: Orphanet 158684, MedGen C2677349, MONDO:0012807, OMIM 612138.
Autosomal recessive limb-girdle muscular dystrophy type 2Q (LGMDR17). Also called: MUSCULAR DYSTROPHY, LIMB-GIRDLE, AUTOSOMAL RECESSIVE 17. Identifiers: Orphanet 254361, MedGen C3150989, MONDO:0013390, OMIM 613723.

Submission:

Labcorp Genetics (formerly Invitae), Labcorp
Classification: Uncertain significance for Autosomal recessive limb-girdle muscular dystrophy type 2Q; Epidermolysis bullosa simplex, Ogna type; Epidermolysis bullosa simplex with nail dystrophy; Epidermolysis bullosa simplex 5C, with pyloric atresia; Epidermolysis bullosa simplex 5B, with muscular dystrophy. Last evaluated: 2022-09-15. Review status: criteria provided, single submitter. Criteria: Invitae Variant Classification Sherloc (09022015). Collection method: clinical testing. Allele origin: germline.
Comment: This sequence change replaces alanine, which is neutral and non-polar, with threonine, which is neutral and polar, at codon 1464 of the PLEC protein (p.Ala1464Thr). In summary, the available evidence is currently insufficient to determine the role of this variant in disease. Therefore, it has been classified as a Variant of Uncertain Significance. Advanced modeling of protein sequence and biophysical properties (such as structural, functional, and spatial information, amino acid conservation, physicochemical variation, residue mobility, and thermodynamic stability) performed at Invitae indicates that this missense variant is not expected to disrupt PLEC protein function. This variant has not been reported in the literature in individuals affected with PLEC-related conditions. This variant is not present in population databases (gnomAD no frequency).

NM_201384.3(PLEC):c.4309G>A (p.Ala1437Thr)

Gene: PLEC (plectin; minus strand). Cytogenetic location: 8q24.3.
Variant type: single nucleotide variant.
Coding change: c.4309G>A on transcript NM_201384.3 (MANE Select); coding-DNA position 4309, G replaced by A.
Protein change: p.Ala1437Thr; replaces alanine 1437 with threonine.
Molecular consequence: missense variant.
Genome position (GRCh38, 1-based): chr8:143,925,620, C>T on the plus strand (G>A on the coding strand, the complement: PLEC is on the minus strand). VCF-style: chr8-143925620-C-T. GRCh37 (hg19) VCF-style: chr8-144999788-C-T.
Other names: c.4390G>A, p.Ala1464Thr (NM_000445.5); c.4267G>A, p.Ala1423Thr (NM_201378.4); c.4243G>A, p.Ala1415Thr (NM_201379.3); c.4720G>A, p.Ala1574Thr (NM_201380.4); c.4213G>A, p.Ala1405Thr (NM_201381.3); c.4309G>A, p.Ala1437Thr (NM_201382.4); c.4321G>A, p.Ala1441Thr (NM_201383.3); short protein forms A1405T, A1441T, A1415T, A1464T, A1574T, A1423T, A1437T.
Identifiers: ClinVar variation 1945535 (VCV001945535.5), dbSNP rs2538083970, ClinGen allele CA372558158.